The following is an entry in ClinVar:

NM_001853.4(COL9A3):c.676G>A (p.Gly226Arg)

Gene: COL9A3 (collagen type IX alpha 3 chain; plus strand). Cytogenetic location: 20q13.33.
Variant type: single nucleotide variant.
Coding change: c.676G>A on transcript NM_001853.4 (MANE Select); coding-DNA position 676, G replaced by A.
Protein change: p.Gly226Arg; replaces glycine 226 with arginine.
Molecular consequence: missense variant.
Genome position (GRCh38, 1-based): chr20:62,825,862, G>A. VCF-style: chr20-62825862-G-A. GRCh37 (hg19) VCF-style: chr20-61457214-G-A.
Other names: short protein forms G226R.
Identifiers: ClinVar variation 1460577 (VCV001460577.6), dbSNP rs2147208786, ClinGen allele CA409591194.

ClinVar aggregate classification (germline): Uncertain significance (1 of 4 stars; one submission).

Submission:

Labcorp Genetics (formerly Invitae), Labcorp
Classification: Uncertain significance. Last evaluated: 2022-06-22. Review status: criteria provided, single submitter. Criteria: Invitae Variant Classification Sherloc (09022015). Collection method: clinical testing. Allele origin: germline.
Comment: This sequence change replaces glycine, which is neutral and non-polar, with arginine, which is basic and polar, at codon 226 of the COL9A3 protein (p.Gly226Arg). This variant is not present in population databases (gnomAD no frequency). This variant has not been reported in the literature in individuals affected with COL9A3-related conditions. Advanced modeling of protein sequence and biophysical properties (such as structural, functional, and spatial information, amino acid conservation, physicochemical variation, residue mobility, and thermodynamic stability) performed at Invitae indicates that this missense variant is expected to disrupt COL9A3 protein function. In summary, the available evidence is currently insufficient to determine the role of this variant in disease. Therefore, it has been classified as a Variant of Uncertain Significance.